The following is an entry in ClinVar:

ClinVar aggregate classification (germline): Uncertain significance (1 of 4 stars; one submission).

Conditions:
Jeune thoracic dystrophy. Also called: Short-rib thoracic dysplasia; Infantile thoracic dystrophy; Thoracic pelvic phalangeal dystrophy; Jeune's syndrome; Chondroectodermal dysplasia-like syndrome; Jeune syndrome. Identifiers: Orphanet 474, MedGen C0265275, MONDO:0018770.

Allele frequency attached by ClinVar (database versions not stated): gnomAD exomes below 0.00001.
gnomAD v4.1: 3 of 1,612,788 alleles (0.00019%); highest among the groups gnomAD compares: Non-Finnish European, 0.00025%; no homozygotes.

Submission:

Labcorp Genetics (formerly Invitae), Labcorp
Classification: Uncertain significance for Jeune thoracic dystrophy. Last evaluated: 2022-07-05. Review status: criteria provided, single submitter. Criteria: Invitae Variant Classification Sherloc (09022015). Collection method: clinical testing. Allele origin: germline.
Comment: In summary, the available evidence is currently insufficient to determine the role of this variant in disease. Therefore, it has been classified as a Variant of Uncertain Significance. Algorithms developed to predict the effect of missense changes on protein structure and function (SIFT, PolyPhen-2, Align-GVGD) all suggest that this variant is likely to be tolerated. ClinVar contains an entry for this variant (Variation ID: 1409808). This variant has not been reported in the literature in individuals affected with IFT80-related conditions. This variant is not present in population databases (gnomAD no frequency). This sequence change replaces isoleucine, which is neutral and non-polar, with valine, which is neutral and non-polar, at codon 172 of the IFT80 protein (p.Ile172Val).

NM_020800.3(IFT80):c.514A>G (p.Ile172Val)

Genes: IFT80 (intraflagellar transport 80; minus strand), TRIM59-IFT80 (TRIM59-IFT80 readthrough (NMD candidate); minus strand). Cytogenetic location: 3q25.33.
Variant type: single nucleotide variant.
Coding change: c.514A>G on transcript NM_020800.3 (MANE Select); coding-DNA position 514, A replaced by G.
Protein change: p.Ile172Val; replaces isoleucine 172 with valine.
Molecular consequence: missense variant. On other transcripts: non-coding transcript variant (3).
Genome position (GRCh38, 1-based): chr3:160,366,078, T>C on the plus strand (A>G on the coding strand, the complement: IFT80 is on the minus strand). VCF-style: chr3-160366078-T-C. GRCh37 (hg19) VCF-style: chr3-160083866-T-C.
Other names: c.103A>G, p.Ile35Val (NM_001190241.2, NM_001190242.2); short protein forms I35V, I172V.
Identifiers: ClinVar variation 1409808 (VCV001409808.8), dbSNP rs2108377832, ClinGen allele CA355193267.